The following is an entry in ClinVar:

ClinVar aggregate classification (germline): Uncertain significance (1 of 4 stars; one submission).

Conditions:
Hereditary cancer-predisposing syndrome. Also called: Neoplastic Syndromes, Hereditary; Tumor predisposition; Hereditary Cancer Syndrome; Hereditary neoplastic syndrome. Identifiers: Orphanet 140162, MedGen C0027672, MeSH D009386, MONDO:0015356.

Submission:

Ambry Genetics
Classification: Uncertain significance for Hereditary cancer-predisposing syndrome. Last evaluated: 2025-08-19. Review status: criteria provided, single submitter. Criteria: Ambry Variant Classification Scheme 2023. Collection method: clinical testing. Allele origin: germline.
Comment: The p.E304K variant (also known as c.910G>A), located in coding exon 9 of the SMARCE1 gene, results from a G to A substitution at nucleotide position 910. The glutamic acid at codon 304 is replaced by lysine, an amino acid with similar properties. This amino acid position is conserved. In addition, this alteration is predicted to be tolerated by in silico analysis. Based on the available evidence, the clinical significance of this variant remains unclear.

NM_003079.5(SMARCE1):c.910G>A (p.Glu304Lys)

Gene: SMARCE1 (SWI/SNF related BAF chromatin remodeling complex subunit E1; minus strand). Cytogenetic location: 17q21.2.
Variant type: single nucleotide variant.
Coding change: c.910G>A on transcript NM_003079.5 (MANE Select); coding-DNA position 910, G replaced by A.
Protein change: p.Glu304Lys; replaces glutamic acid 304 with lysine.
Molecular consequence: missense variant.
Genome position (GRCh38, 1-based): chr17:40,630,831, C>T on the plus strand (G>A on the coding strand, the complement: SMARCE1 is on the minus strand). VCF-style: chr17-40630831-C-T. GRCh37 (hg19) VCF-style: chr17-38787083-C-T.
Other names: short protein forms E304K.
Identifiers: ClinVar variation 4170324 (VCV004170324.1).
Genomic context (GRCh38, chr17:40,630,831, plus strand): 5'-GTTCTTCCTCAGGAACGATGCTGCTCTGACTGCGCTCAGCTTGCTCTGCGGCCTCCTTCT[C>T]CCTTTCCTCCTGCCTTTTGCGGGCCTGTTCCTCTGCCTGTGCAATCTCAGCTGCAATTTT-3'
Protein context (NP_003070.3, residues 294-314): EQARKRQEER[Glu304Lys]KEAAEQAERS